The following is an entry in ClinVar:

ClinVar aggregate classification (germline): Uncertain significance. Review status: criteria provided, multiple submitters, no conflicts (2 of 4 stars). 2 submissions from 2 submitters: Uncertain significance (2). Last evaluated 2024-01-07.

Allele frequency attached by ClinVar (database versions not stated): ExAC 0.00002; gnomAD exomes 0.00002; TOPMed 0.00002; gnomAD 0.00003 and 0.00004.
gnomAD v4.1: 27 of 1,367,412 alleles (0.002%); highest among the groups gnomAD compares: Non-Finnish European, 0.0026%; no homozygotes.

Submissions (2):

Labcorp Genetics (formerly Invitae), Labcorp
Classification: Uncertain significance. Last evaluated: 2024-01-07. Review status: criteria provided, single submitter. Criteria: Invitae Variant Classification Sherloc (09022015). Collection method: clinical testing. Allele origin: germline.
Comment: This sequence change replaces glycine, which is neutral and non-polar, with valine, which is neutral and non-polar, at codon 1464 of the ERCC6L2 protein (p.Gly1464Val). This variant is present in population databases (rs769850984, gnomAD 0.005%). This variant has not been reported in the literature in individuals affected with ERCC6L2-related conditions. ClinVar contains an entry for this variant (Variation ID: 1429587). Experimental studies and prediction algorithms are not available or were not evaluated, and the functional significance of this variant is currently unknown. In summary, the available evidence is currently insufficient to determine the role of this variant in disease. Therefore, it has been classified as a Variant of Uncertain Significance.

Blueprint Genetics
Classification: Uncertain significance. Last evaluated: 2023-11-24. Review status: criteria provided, single submitter. Criteria: ACMG Guidelines, 2015. Collection method: clinical testing. Allele origin: germline.

NM_020207.7(ERCC6L2):c.4358G>T (p.Gly1453Val)

Gene: ERCC6L2 (ERCC excision repair 6 like 2; plus strand). Cytogenetic location: 9q22.32.
Variant type: single nucleotide variant.
Coding change: c.4358G>T on transcript NM_020207.7 (MANE Select); coding-DNA position 4358, G replaced by T.
Protein change: p.Gly1453Val; replaces glycine 1453 with valine.
Molecular consequence: missense variant. On other transcripts: non-coding transcript variant (1), intron variant (2).
Genome position (GRCh38, 1-based): chr9:96,012,908, G>T. VCF-style: chr9-96012908-G-T. GRCh37 (hg19) VCF-style: chr9-98775190-G-T.
Other names: c.3674+8207G>T (NM_001375291.1, NM_001375292.1); short protein forms G1453V.
Identifiers: ClinVar variation 1429587 (VCV001429587.5), dbSNP rs769850984, ClinGen allele CA5140099.